The following is an entry in ClinVar:

ClinVar aggregate classification (germline): Uncertain significance (1 of 4 stars; one submission).

Conditions:
Myofibrillar myopathy 5. Also called: Filaminopathy (type); FILAMINOPATHY, AUTOSOMAL DOMINANT. Identifiers: Orphanet 171445, MedGen C1836050, MONDO:0012289, OMIM 609524.
Hypertrophic cardiomyopathy 26. Also called: Cardiomyopathy, familial hypertrophic, 26. Identifiers: Orphanet 75249, MedGen C4310749, MONDO:0014883, OMIM 617047.
Distal myopathy with posterior leg and anterior hand involvement. Also called: WILLIAMS DISTAL MYOPATHY. Identifiers: Orphanet 63273, MedGen C3279722, MONDO:0013550, OMIM 614065.

Allele frequency attached by ClinVar (database versions not stated): TOPMed below 0.00001; gnomAD 0.00001.

Submission:

Labcorp Genetics (formerly Invitae), Labcorp
Classification: Uncertain significance for Distal myopathy with posterior leg and anterior hand involvement; Myofibrillar myopathy 5; Hypertrophic cardiomyopathy 26. Last evaluated: 2023-02-21. Review status: criteria provided, single submitter. Criteria: Invitae Variant Classification Sherloc (09022015). Collection method: clinical testing. Allele origin: germline.
Comment: In summary, the available evidence is currently insufficient to determine the role of this variant in disease. Therefore, it has been classified as a Variant of Uncertain Significance. Variants that disrupt the consensus splice site are a relatively common cause of aberrant splicing (PMID: 17576681, 9536098). Algorithms developed to predict the effect of sequence changes on RNA splicing suggest that this variant is not likely to affect RNA splicing. This variant has not been reported in the literature in individuals affected with FLNC-related conditions. This variant is not present in population databases (gnomAD no frequency). This sequence change falls in intron 45 of the FLNC gene. It does not directly change the encoded amino acid sequence of the FLNC protein. It affects a nucleotide within the consensus splice site.

Literature cited by the submitters: PubMed 17576681; PubMed 9536098.

NM_001458.5(FLNC):c.7561+3G>A

Genes: FLNC (filamin C; plus strand), FLNC-AS1 (FLNC antisense RNA 1; minus strand). Cytogenetic location: 7q32.1.
Variant type: single nucleotide variant.
Coding change: c.7561+3G>A on transcript NM_001458.5 (MANE Select); 3 bases into the intron after coding-DNA position 7561, G replaced by A.
Molecular consequence: intron variant.
Genome position (GRCh38, 1-based): chr7:128,856,924, G>A. VCF-style: chr7-128856924-G-A. GRCh37 (hg19) VCF-style: chr7-128496978-G-A.
Other names: c.7462+3G>A (NM_001127487.2).
Identifiers: ClinVar variation 2923220 (VCV002923220.3), dbSNP rs1809087400, ClinGen allele CA1107055477.